The following is an entry in ClinVar:

NM_001792.5(CDH2):c.1704C>A (p.Asn568Lys)

Gene: CDH2 (cadherin 2; minus strand). Cytogenetic location: 18q12.1.
Variant type: single nucleotide variant.
Coding change: c.1704C>A on transcript NM_001792.5 (MANE Select); coding-DNA position 1704, C replaced by A.
Protein change: p.Asn568Lys; replaces asparagine 568 with lysine.
Molecular consequence: missense variant.
Genome position (GRCh38, 1-based): chr18:27,988,561, G>T on the plus strand (C>A on the coding strand, the complement: CDH2 is on the minus strand). VCF-style: chr18-27988561-G-T. GRCh37 (hg19) VCF-style: chr18-25568525-G-T.
Other names: c.1611C>A, p.Asn537Lys (NM_001308176.2); short protein forms N537K, N568K.
Identifiers: ClinVar variation 3690400 (VCV003690400.2).
Genomic context (GRCh38, chr18:27,988,561, plus strand): 5'-ACAAGAAAAAACAGCGAACATACCATTGTCAGAAGCAAGGAAAGTAGCATTATATATATT[G>T]TTTTTCACATTTGGTGATTCTCGGTCCAAAACAGCAATTGTAGTTATTTGTCCATTCACA-3'
Protein context (NP_001783.2, residues 558-578): VLDRESPNVK[Asn568Lys]NIYNATFLAS

ClinVar aggregate classification (germline): Uncertain significance (1 of 4 stars; one submission).

Submission:

Labcorp Genetics (formerly Invitae), Labcorp
Classification: Uncertain significance. Last evaluated: 2024-02-20. Review status: criteria provided, single submitter. Criteria: Invitae Variant Classification Sherloc (09022015). Collection method: clinical testing. Allele origin: germline.
Comment: This sequence change replaces asparagine, which is neutral and polar, with lysine, which is basic and polar, at codon 568 of the CDH2 protein (p.Asn568Lys). This variant is not present in population databases (gnomAD no frequency). This variant has not been reported in the literature in individuals affected with CDH2-related conditions. An algorithm developed to predict the effect of missense changes on protein structure and function (PolyPhen-2) suggests that this variant is likely to be tolerated. In summary, the available evidence is currently insufficient to determine the role of this variant in disease. Therefore, it has been classified as a Variant of Uncertain Significance.